The following is an entry in ClinVar:

NM_001369369.1(FOXN1):c.212C>T (p.Ala71Val)

Gene: FOXN1 (forkhead box N1; plus strand). Cytogenetic location: 17q11.2.
Variant type: single nucleotide variant.
Coding change: c.212C>T on transcript NM_001369369.1 (MANE Select); coding-DNA position 212, C replaced by T.
Protein change: p.Ala71Val; replaces alanine 71 with valine.
Molecular consequence: missense variant.
Genome position (GRCh38, 1-based): chr17:28,524,591, C>T. VCF-style: chr17-28524591-C-T. GRCh37 (hg19) VCF-style: chr17-26851609-C-T.
Other names: c.212C>T, p.Ala71Val (NM_003593.3); short protein forms A71V.
Identifiers: ClinVar variation 962293 (VCV000962293.9), dbSNP rs373326758, ClinGen allele CA8459181.

ClinVar aggregate classification (germline): Uncertain significance. Review status: criteria provided, multiple submitters, no conflicts (2 of 4 stars). 3 submissions from 3 submitters: Uncertain significance (3). Last evaluated 2026-02-24.

Conditions:
Inborn genetic diseases. Identifiers: MedGen C0950123, MeSH D030342.
T-cell immunodeficiency, congenital alopecia, and nail dystrophy. Also called: Congenital alopecia and nail dystrophy associated with severe functional T-cell immunodeficiency; Pignata Guarino syndrome. Identifiers: Orphanet 169095, MedGen C1866426, MONDO:0011132, OMIM 601705.
FOXN1-related disorder. Also called: FOXN1-related condition.

Allele frequency attached by ClinVar (database versions not stated): gnomAD 0.00003 and 0.00004; TOPMed 0.00004; ESP Exome Variant Server 0.00008.
gnomAD v4.1: 61 of 1,613,470 alleles (0.0038%); highest among the groups gnomAD compares: Non-Finnish European, 0.0042%; no homozygotes.

Submissions (3):

PreventionGenetics, part of Exact Sciences
Classification: Uncertain significance for FOXN1-related condition. Last evaluated: 2026-02-24. Review status: criteria provided, single submitter. Criteria: ACMG Guidelines, 2015. Collection method: clinical testing. Allele origin: germline.
Comment: The FOXN1 c.212C>T variant is predicted to result in the amino acid substitution p.Ala71Val. To our knowledge, this variant has not been reported in the literature. This variant is reported in 0.0040% of alleles in individuals of African descent in gnomAD. At this time, the clinical significance of this variant is uncertain due to the absence of conclusive functional and genetic evidence.

Labcorp Genetics (formerly Invitae), Labcorp
Classification: Uncertain significance for T-cell immunodeficiency, congenital alopecia, and nail dystrophy. Last evaluated: 2025-04-07. Review status: criteria provided, single submitter. Criteria: Invitae Variant Classification Sherloc (09022015). Collection method: clinical testing. Allele origin: germline.
Comment: This sequence change replaces alanine, which is neutral and non-polar, with valine, which is neutral and non-polar, at codon 71 of the FOXN1 protein (p.Ala71Val). This variant is present in population databases (rs373326758, gnomAD 0.004%). This variant has not been reported in the literature in individuals affected with FOXN1-related conditions. ClinVar contains an entry for this variant (Variation ID: 962293). Invitae Evidence Modeling of protein sequence and biophysical properties (such as structural, functional, and spatial information, amino acid conservation, physicochemical variation, residue mobility, and thermodynamic stability) indicates that this missense variant is not expected to disrupt FOXN1 protein function with a negative predictive value of 80%. In summary, the available evidence is currently insufficient to determine the role of this variant in disease. Therefore, it has been classified as a Variant of Uncertain Significance.

Ambry Genetics
Classification: Uncertain significance for Inborn genetic diseases. Last evaluated: 2024-10-09. Review status: criteria provided, single submitter. Criteria: Ambry Variant Classification Scheme 2023. Collection method: clinical testing. Allele origin: germline.